The following is an entry in ClinVar:

NM_000488.4(SERPINC1):c.844T>C (p.Ser282Pro)

Gene: SERPINC1 (serpin family C member 1; minus strand). Cytogenetic location: 1q25.1.
Variant type: single nucleotide variant.
Coding change: c.844T>C on transcript NM_000488.4 (MANE Select); coding-DNA position 844, T replaced by C.
Protein change: p.Ser282Pro; replaces serine 282 with proline.
Molecular consequence: missense variant.
Genome position (GRCh38, 1-based): chr1:173,909,861, A>G on the plus strand (T>C on the coding strand, the complement: SERPINC1 is on the minus strand). VCF-style: chr1-173909861-A-G. GRCh37 (hg19) VCF-style: chr1-173878999-A-G.
Other names: c.700T>C, p.Ser234Pro (NM_001365052.2); c.967T>C, p.Ser323Pro (NM_001386302.1); c.925T>C, p.Ser309Pro (NM_001386303.1); c.823T>C, p.Ser275Pro (NM_001386304.1); c.787T>C, p.Ser263Pro (NM_001386305.1); c.628T>C, p.Ser210Pro (NM_001386306.1); short protein forms S309P, S263P, S282P, S210P, S234P, S275P, S323P.
Identifiers: ClinVar variation 4778367 (VCV004778367.1).

ClinVar aggregate classification (germline): Uncertain significance (1 of 4 stars; one submission).

Conditions:
Hereditary antithrombin deficiency (AT3D). Also called: Antithrombin III deficiency; Thrombophilia due to antithrombin III deficiency; Reduced antithrombin III activity; Antithrombin deficiency. Identifiers: Orphanet 82, MedGen C0272375, MONDO:0013144, OMIM 613118, HP:0001976.

gnomAD v4.1: 1 of 1,610,664 alleles (0.000062%); highest among the groups gnomAD compares: Non-Finnish European, 0.000085%; no homozygotes.

Submission:

Labcorp Genetics (formerly Invitae), Labcorp
Classification: Uncertain significance for Hereditary antithrombin deficiency. Last evaluated: 2025-06-10. Review status: criteria provided, single submitter. Criteria: Invitae Variant Classification Sherloc (09022015). Collection method: clinical testing. Allele origin: germline.
Comment: This sequence change replaces serine, which is neutral and polar, with proline, which is neutral and non-polar, at codon 282 of the SERPINC1 protein (p.Ser282Pro). This variant is not present in population databases (gnomAD no frequency). This variant has not been reported in the literature in individuals affected with SERPINC1-related conditions. Invitae Evidence Modeling of protein sequence and biophysical properties (such as structural, functional, and spatial information, amino acid conservation, physicochemical variation, residue mobility, and thermodynamic stability) indicates that this missense variant is not expected to disrupt SERPINC1 protein function with a negative predictive value of 95%. In summary, the available evidence is currently insufficient to determine the role of this variant in disease. Therefore, it has been classified as a Variant of Uncertain Significance.